The following is an entry in ClinVar:

ClinVar aggregate classification (germline): Conflicting classifications of pathogenicity. Review status: criteria provided, conflicting classifications (1 of 4 stars). 4 submissions from 4 submitters: Uncertain significance (2); Likely benign (2). Last evaluated 2025-10-16.

Conditions:
Inborn genetic diseases. Identifiers: MedGen C0950123, MeSH D030342.

Allele frequency attached by ClinVar (database versions not stated): ESP Exome Variant Server 0.00008; gnomAD 0.00008 and 0.00009; TOPMed 0.00011; 1000 Genomes Project 0.00020; 1000 Genomes Project 30x 0.00031.
gnomAD v4.1: 217 of 1,607,752 alleles (0.013%); highest among the groups gnomAD compares: South Asian, 0.021%; 1 homozygote.

Submissions (4):

Labcorp Genetics (formerly Invitae), Labcorp
Classification: Likely benign. Last evaluated: 2025-10-16. Review status: criteria provided, single submitter. Criteria: Invitae Variant Classification Sherloc (09022015). Collection method: clinical testing. Allele origin: germline.

GeneDx
Classification: Uncertain significance. Last evaluated: 2025-01-15. Review status: criteria provided, single submitter. Criteria: GeneDx Variant Classification Process June 2021. Collection method: clinical testing. Allele origin: germline. Affected: yes.
Comment: In silico analysis supports that this missense variant has a deleterious effect on protein structure/function; Has not been previously published as pathogenic or benign to our knowledge

Ambry Genetics
Classification: Uncertain significance for Inborn genetic diseases. Last evaluated: 2024-03-19. Review status: criteria provided, single submitter. Criteria: Ambry Variant Classification Scheme 2023. Collection method: clinical testing. Allele origin: germline.

Blueprint Genetics
Classification: Likely benign. Last evaluated: 2023-05-15. Review status: criteria provided, single submitter. Criteria: ACMG Guidelines, 2015. Collection method: clinical testing. Allele origin: germline.

NM_001854.4(COL11A1):c.3967C>A (p.Pro1323Thr)

Gene: COL11A1 (collagen type XI alpha 1 chain; minus strand). Cytogenetic location: 1p21.1.
Variant type: single nucleotide variant.
Coding change: c.3967C>A on transcript NM_001854.4 (MANE Select); coding-DNA position 3967, C replaced by A.
Protein change: p.Pro1323Thr; replaces proline 1323 with threonine.
Molecular consequence: missense variant. On other transcripts: non-coding transcript variant (1).
Genome position (GRCh38, 1-based): chr1:102,914,363, G>T on the plus strand (C>A on the coding strand, the complement: COL11A1 is on the minus strand). VCF-style: chr1-102914363-G-T. GRCh37 (hg19) VCF-style: chr1-103379919-G-T.
Other names: c.3850C>A, p.Pro1284Thr (NM_001190709.2); c.4003C>A, p.Pro1335Thr (NM_080629.3); c.3619C>A, p.Pro1207Thr (NM_080630.4); c.3967C>A (NM_001854.3); short protein forms P1207T, P1284T, P1323T, P1335T.
Identifiers: ClinVar variation 1586166 (VCV001586166.11), dbSNP rs377044024, ClinGen allele CA973755.